The following is an entry in ClinVar:

ClinVar aggregate classification (germline): Uncertain significance. Review status: criteria provided, multiple submitters, no conflicts (2 of 4 stars). 3 submissions from 3 submitters: Uncertain significance (3). Last evaluated 2025-01-14.

Conditions:
Cardiovascular phenotype. Identifiers: MedGen CN230736.
Catecholaminergic polymorphic ventricular tachycardia 1. Also called: VENTRICULAR TACHYCARDIA, CATECHOLAMINERGIC POLYMORPHIC, 1, WITH OR WITHOUT ATRIAL DYSFUNCTION AND/OR DILATED CARDIOMYOPATHY; RYR2-Related Catecholaminergic Polymorphic Ventricular Tachycardia; VENTRICULAR TACHYCARDIA, STRESS-INDUCED POLYMORPHIC 1. Identifiers: Orphanet 3286, MedGen C1631597, MONDO:0011484, OMIM 604772.
Catecholaminergic polymorphic ventricular tachycardia (CVPT). Also called: Catecholamine-induced polymorphic ventricular tachycardia. Identifiers: Orphanet 3286, MedGen C5574922, MONDO:0017990.

Allele frequency attached by ClinVar (database versions not stated): gnomAD exomes below 0.00001; gnomAD 0.00001; TOPMed 0.00002.
gnomAD v4.1: 3 of 1,611,836 alleles (0.00019%); highest among the groups gnomAD compares: African/African-American, 0.0027%; no homozygotes.

Submissions (3):

Ambry Genetics
Classification: Uncertain significance for Cardiovascular phenotype. Last evaluated: 2025-01-14. Review status: criteria provided, single submitter. Criteria: Ambry Variant Classification Scheme 2023. Collection method: clinical testing. Allele origin: germline.
Comment: The p.P876S variant (also known as c.2626C>T), located in coding exon 23 of the RYR2 gene, results from a C to T substitution at nucleotide position 2626. The proline at codon 876 is replaced by serine, an amino acid with similar properties. This amino acid position is highly conserved in available vertebrate species. In addition, the in silico prediction for this alteration is inconclusive. Based on the available evidence, the clinical significance of this variant remains unclear.

All of Us Research Program, National Institutes of Health
Classification: Uncertain significance for Catecholaminergic polymorphic ventricular tachycardia. Last evaluated: 2024-08-06. Review status: criteria provided, single submitter. Criteria: ACMG Guidelines, 2015. Collection method: clinical testing. Allele origin: germline. Inheritance: Autosomal dominant inheritance. Observed: 1 variant allele, 1 heterozygote.
Comment: This study involves interpretation of variants in research participants for the purpose of population health screening. Participant phenotype was not available at the time of variant classification. Additional details can be found in publication PMID: 35346344, PMCID: PMC8962531

Labcorp Genetics (formerly Invitae), Labcorp
Classification: Uncertain significance for Catecholaminergic polymorphic ventricular tachycardia 1. Last evaluated: 2024-01-18. Review status: criteria provided, single submitter. Criteria: Invitae Variant Classification Sherloc (09022015). Collection method: clinical testing. Allele origin: germline.
Comment: This sequence change replaces proline, which is neutral and non-polar, with serine, which is neutral and polar, at codon 876 of the RYR2 protein (p.Pro876Ser). This variant is not present in population databases (gnomAD no frequency). This variant has not been reported in the literature in individuals affected with RYR2-related conditions. ClinVar contains an entry for this variant (Variation ID: 2157598). Advanced modeling of protein sequence and biophysical properties (such as structural, functional, and spatial information, amino acid conservation, physicochemical variation, residue mobility, and thermodynamic stability) performed at Invitae indicates that this missense variant is not expected to disrupt RYR2 protein function with a negative predictive value of 95%. In summary, the available evidence is currently insufficient to determine the role of this variant in disease. Therefore, it has been classified as a Variant of Uncertain Significance.

NM_001035.3(RYR2):c.2626C>T (p.Pro876Ser)

Gene: RYR2 (ryanodine receptor 2; plus strand). Cytogenetic location: 1q43.
Variant type: single nucleotide variant.
Coding change: c.2626C>T on transcript NM_001035.3 (MANE Select); coding-DNA position 2626, C replaced by T.
Protein change: p.Pro876Ser; replaces proline 876 with serine.
Molecular consequence: missense variant.
Genome position (GRCh38, 1-based): chr1:237,506,722, C>T. VCF-style: chr1-237506722-C-T. GRCh37 (hg19) VCF-style: chr1-237670022-C-T.
Other names: c.2626C>T (NM_001035.2); short protein forms P876S.
Identifiers: ClinVar variation 2157598 (VCV002157598.6), dbSNP rs1328818657, ClinGen allele CA345380955.